The following is an entry in ClinVar:

ClinVar aggregate classification (germline): Uncertain significance (1 of 4 stars; one submission).

Conditions:
Long QT syndrome (LQTS). Identifiers: MedGen C0023976, MeSH D008133, MONDO:0002442. Disease mechanism: loss of function. Inheritance: Various modes of inheritance.

gnomAD v4.1: 6 of 1,610,686 alleles (0.00037%); highest among the groups gnomAD compares: Non-Finnish European, 0.00051%; no homozygotes.

Submission:

Labcorp Genetics (formerly Invitae), Labcorp
Classification: Uncertain significance for Long QT syndrome. Last evaluated: 2023-07-09. Review status: criteria provided, single submitter. Criteria: Invitae Variant Classification Sherloc (09022015). Collection method: clinical testing. Allele origin: germline.
Comment: Algorithms developed to predict the effect of sequence changes on RNA splicing suggest that this variant may create or strengthen a splice site. In summary, the available evidence is currently insufficient to determine the role of this variant in disease. Therefore, it has been classified as a Variant of Uncertain Significance. This variant has not been reported in the literature in individuals affected with KCNH2-related conditions. This variant is not present in population databases (gnomAD no frequency). This sequence change falls in intron 5 of the KCNH2 gene. It does not directly change the encoded amino acid sequence of the KCNH2 protein.

NM_000238.4(KCNH2):c.1129-18C>A

Gene: KCNH2 (potassium voltage-gated channel subfamily H member 2; minus strand). Cytogenetic location: 7q36.1.
Variant type: single nucleotide variant.
Coding change: c.1129-18C>A on transcript NM_000238.4 (MANE Select); 18 bases into the intron before coding-DNA position 1129, C replaced by A.
Molecular consequence: intron variant.
Genome position (GRCh38, 1-based): chr7:150,952,871, G>T on the plus strand (C>A on the coding strand, the complement: KCNH2 is on the minus strand). VCF-style: chr7-150952871-G-T. GRCh37 (hg19) VCF-style: chr7-150649959-G-T.
Other names: c.841-18C>A (NM_001406753.1, NM_001406756.1); c.109-18C>A (NM_172057.3, NM_001204798.2); c.1129-18C>A (NM_172056.3); c.952-18C>A (NM_001406755.1); c.829-18C>A (NM_001406757.1).
Identifiers: ClinVar variation 2917636 (VCV002917636.3), dbSNP rs78794789, ClinGen allele CA2685610734.